The following is an entry in ClinVar:

ClinVar aggregate classification (germline): Benign. Review status: criteria provided, multiple submitters, no conflicts (2 of 4 stars). 3 submissions from 3 submitters: Benign (3). Last evaluated 2026-08-01.

Allele frequency attached by ClinVar (database versions not stated): 1000 Genomes Project 30x 0.00406; 1000 Genomes Project 0.00419; gnomAD 0.00696; TOPMed 0.00715; gnomAD exomes 0.00958; ExAC 0.01025.
gnomAD v4.1: 15,257 of 1,536,458 alleles (0.99%); highest among the groups gnomAD compares: Middle Eastern, 2.1%; 108 homozygotes.

Submissions (3):

CeGaT Center for Human Genetics Tuebingen
Classification: Benign. Last evaluated: 2026-08-01. Review status: criteria provided, single submitter. Criteria: CeGaT Center For Human Genetics Tuebingen Variant Classification Criteria Version 2. Collection method: clinical testing. Allele origin: germline. Affected: yes. Observed: 17 variant alleles.
Comment: C2CD3: BP4, BS1, BS2

Labcorp Genetics (formerly Invitae), Labcorp
Classification: Benign. Last evaluated: 2026-02-01. Review status: criteria provided, single submitter. Criteria: Invitae Variant Classification Sherloc (09022015). Collection method: clinical testing. Allele origin: germline.

Breakthrough Genomics
Classification: Benign. Review status: criteria provided, single submitter. Criteria: ACMG Guidelines, 2015. Collection method: not provided. Allele origin: germline. Inheritance: Autosomal recessive inheritance. Affected: yes.

NM_001286577.2(C2CD3):c.6122C>T (p.Ala2041Val)

Gene: C2CD3 (C2 domain containing 3 centriole elongation regulator; minus strand). Cytogenetic location: 11q13.4.
Variant type: single nucleotide variant.
Coding change: c.6122C>T on transcript NM_001286577.2 (MANE Select); coding-DNA position 6122, C replaced by T.
Protein change: p.Ala2041Val; replaces alanine 2041 with valine.
Molecular consequence: missense variant.
Genome position (GRCh38, 1-based): chr11:74,034,038, G>A on the plus strand (C>T on the coding strand, the complement: C2CD3 is on the minus strand). VCF-style: chr11-74034038-G-A. GRCh37 (hg19) VCF-style: chr11-73745083-G-A.
Other names: short protein forms A2041V.
Identifiers: ClinVar variation 1532653 (VCV001532653.32), dbSNP rs145765035, ClinGen allele CA6181724.
Genomic context (GRCh38, chr11:74,034,038, plus strand): 5'-TCACTGTAGGCTGGGCCTGCCTCAGTGTCTTCACTGCTCTGCATCCTTGTAATGGGTACT[G>A]CATGCCTCAGGGACTCATGGAGCATTCTTCCTCCATTTGAAGTCTCTTCGAGAGGAGGGG-3'
Protein context (NP_001273506.1, residues 2031-2051): GRMLHESLRH[Ala2041Val]VPITRMQSSE